The following is an entry in ClinVar:

ClinVar aggregate classification (germline): Uncertain significance. Review status: criteria provided, multiple submitters, no conflicts (2 of 4 stars). 2 submissions from 2 submitters: Uncertain significance (2). Last evaluated 2024-08-31.

Conditions:
Autosomal recessive limb-girdle muscular dystrophy type 2W (MDRCMTT). Also called: Muscular dystrophy, limb-girdle, type 2W; Muscular dystrophy, autosomal recessive, with cardiomyopathy and triangular tongue. Identifiers: MedGen C4225192, MONDO:0014788, OMIM 616827.

Allele frequency attached by ClinVar (database versions not stated): ExAC 0.00001.

Submissions (2):

Labcorp Genetics (formerly Invitae), Labcorp
Classification: Uncertain significance for Autosomal recessive limb-girdle muscular dystrophy type 2W. Last evaluated: 2024-08-31. Review status: criteria provided, single submitter. Criteria: Invitae Variant Classification Sherloc (09022015). Collection method: clinical testing. Allele origin: germline.
Comment: This sequence change replaces valine, which is neutral and non-polar, with alanine, which is neutral and non-polar, at codon 217 of the LIMS2 protein (p.Val217Ala). The frequency data for this variant in the population databases is considered unreliable, as metrics indicate poor data quality at this position in the gnomAD database. This variant has not been reported in the literature in individuals affected with LIMS2-related conditions. ClinVar contains an entry for this variant (Variation ID: 2433448). Invitae Evidence Modeling of protein sequence and biophysical properties (such as structural, functional, and spatial information, amino acid conservation, physicochemical variation, residue mobility, and thermodynamic stability) indicates that this missense variant is not expected to disrupt LIMS2 protein function with a negative predictive value of 80%. In summary, the available evidence is currently insufficient to determine the role of this variant in disease. Therefore, it has been classified as a Variant of Uncertain Significance.

Revvity Omics, Revvity
Classification: Uncertain significance for Autosomal recessive limb-girdle muscular dystrophy type 2W. Last evaluated: 2021-06-23. Review status: criteria provided, single submitter. Criteria: ACMG Guidelines, 2015. Collection method: clinical testing. Allele origin: germline.

NM_001161403.3(LIMS2):c.584T>C (p.Val195Ala)

Gene: LIMS2 (LIM zinc finger domain containing 2; minus strand). Cytogenetic location: 2q14.3.
Variant type: single nucleotide variant.
Coding change: c.584T>C on transcript NM_001161403.3 (MANE Select); coding-DNA position 584, T replaced by C.
Protein change: p.Val195Ala; replaces valine 195 with alanine.
Molecular consequence: missense variant.
Genome position (GRCh38, 1-based): chr2:127,642,125, A>G on the plus strand (T>C on the coding strand, the complement: LIMS2 is on the minus strand). VCF-style: chr2-127642125-A-G. GRCh37 (hg19) VCF-style: chr2-128399700-A-G.
Other names: c.650T>C, p.Val217Ala (NM_001136037.4); c.569T>C, p.Val190Ala (NM_001161404.2); c.128T>C, p.Val43Ala (NM_001161405.1, NM_001256542.2); c.656T>C, p.Val219Ala (NM_017980.5); short protein forms V190A, V195A, V217A, V219A, V43A.
Identifiers: ClinVar variation 2433448 (VCV002433448.6), dbSNP rs774061121, ClinGen allele CA1862999.
Genomic context (GRCh38, chr2:127,642,125, plus strand): 5'-TTGCCCAGCGCGTTGACCACTCGGCCCTCGATGGGCCGGCGGCAGGCCCCGCAGATGGGG[A>G]CGCCCATCTTGTCATGGCAGGGCAGGCAGTAGAGCTCACCCTTCAGCTCGCGGGCCTCGG-3'
Protein context (NP_001154875.1, residues 185-205): YCLPCHDKMG[Val195Ala]PICGACRRPI